The following is an entry in ClinVar:

NM_002336.3(LRP6):c.1790G>A (p.Gly597Glu)

Gene: LRP6 (LDL receptor related protein 6; minus strand). Cytogenetic location: 12p13.2.
Variant type: single nucleotide variant.
Coding change: c.1790G>A on transcript NM_002336.3 (MANE Select); coding-DNA position 1790, G replaced by A.
Protein change: p.Gly597Glu; replaces glycine 597 with glutamic acid.
Molecular consequence: missense variant. On other transcripts: non-coding transcript variant (1), intron variant (1).
Genome position (GRCh38, 1-based): chr12:12,164,535, C>T on the plus strand (G>A on the coding strand, the complement: LRP6 is on the minus strand). VCF-style: chr12-12164535-C-T. GRCh37 (hg19) VCF-style: chr12-12317469-C-T.
Other names: c.1790G>A, p.Gly597Glu (NM_001414244.1, NM_001414245.1, NM_001414246.1 and 4 more transcripts); c.1592G>A, p.Gly531Glu (NM_001414247.1); c.1337G>A, p.Gly446Glu (NM_001414252.1, NM_001414253.1, NM_001414254.1); c.1546-2116G>A (NM_001414255.1); short protein forms G446E, G531E, G597E.
Identifiers: ClinVar variation 4692954 (VCV004692954.1).

ClinVar aggregate classification (germline): Uncertain significance (1 of 4 stars; one submission).

gnomAD v4.1: 12 of 1,613,956 alleles (0.00074%); highest among the groups gnomAD compares: African/African-American, 0.0027%; no homozygotes.

Submission:

Labcorp Genetics (formerly Invitae), Labcorp
Classification: Uncertain significance. Last evaluated: 2025-08-06. Review status: criteria provided, single submitter. Criteria: Invitae Variant Classification Sherloc (09022015). Collection method: clinical testing. Allele origin: germline.
Comment: This sequence change replaces glycine, which is neutral and non-polar, with glutamic acid, which is acidic and polar, at codon 597 of the LRP6 protein (p.Gly597Glu). This variant is present in population databases (no rsID available, gnomAD 0.004%). This variant has not been reported in the literature in individuals affected with LRP6-related conditions. Invitae Evidence Modeling of protein sequence and biophysical properties (such as structural, functional, and spatial information, amino acid conservation, physicochemical variation, residue mobility, and thermodynamic stability) indicates that this missense variant is expected to disrupt LRP6 protein function with a positive predictive value of 80%. In summary, the available evidence is currently insufficient to determine the role of this variant in disease. Therefore, it has been classified as a Variant of Uncertain Significance.